The following is an entry in ClinVar:

ClinVar aggregate classification (germline): Uncertain significance (1 of 4 stars; one submission).

Conditions:
Hajdu-Cheney syndrome (HJCYS). Also called: Acroosteolysis dominant type; ACROOSTEOLYSIS WITH OSTEOPOROSIS AND CHANGES IN SKULL AND MANDIBLE; SERPENTINE FIBULA-POLYCYSTIC KIDNEY SYNDROME. Identifiers: Orphanet 955, MedGen C0917715, MONDO:0007057, OMIM 102500.

Submission:

Labcorp Genetics (formerly Invitae), Labcorp
Classification: Uncertain significance for Hajdu-Cheney syndrome. Last evaluated: 2024-03-12. Review status: criteria provided, single submitter. Criteria: Invitae Variant Classification Sherloc (09022015). Collection method: clinical testing. Allele origin: germline.
Comment: This sequence change replaces asparagine, which is neutral and polar, with lysine, which is basic and polar, at codon 1027 of the NOTCH2 protein (p.Asn1027Lys). This variant is not present in population databases (gnomAD no frequency). This variant has not been reported in the literature in individuals affected with NOTCH2-related conditions. Advanced modeling of protein sequence and biophysical properties (such as structural, functional, and spatial information, amino acid conservation, physicochemical variation, residue mobility, and thermodynamic stability) performed at Invitae indicates that this missense variant is not expected to disrupt NOTCH2 protein function with a negative predictive value of 80%. In summary, the available evidence is currently insufficient to determine the role of this variant in disease. Therefore, it has been classified as a Variant of Uncertain Significance.

NM_024408.4(NOTCH2):c.3081T>G (p.Asn1027Lys)

Gene: NOTCH2 (notch receptor 2; minus strand). Cytogenetic location: 1p12.
Variant type: single nucleotide variant.
Coding change: c.3081T>G on transcript NM_024408.4 (MANE Select); coding-DNA position 3081, T replaced by G.
Protein change: p.Asn1027Lys; replaces asparagine 1027 with lysine.
Molecular consequence: missense variant.
Genome position (GRCh38, 1-based): chr1:119,940,657, A>C on the plus strand (T>G on the coding strand, the complement: NOTCH2 is on the minus strand). VCF-style: chr1-119940657-A-C. GRCh37 (hg19) VCF-style: chr1-120483280-A-C.
Other names: c.3081T>G, p.Asn1027Lys (NM_001200001.2); short protein forms N1027K.
Identifiers: ClinVar variation 3629174 (VCV003629174.2).